The following is an entry in ClinVar:

ClinVar aggregate classification (germline): Uncertain significance (1 of 4 stars; one submission).

Submission:

GeneDx
Classification: Uncertain significance. Last evaluated: 2024-02-23. Review status: criteria provided, single submitter. Criteria: GeneDx Variant Classification Process June 2021. Collection method: clinical testing. Allele origin: germline. Affected: yes.
Comment: Not observed at significant frequency in large population cohorts (gnomAD); In silico analysis supports that this missense variant does not alter protein structure/function; Has not been previously published as pathogenic or benign to our knowledge

NM_015015.3(KDM4B):c.1046C>A (p.Ala349Glu)

Gene: KDM4B (lysine demethylase 4B; plus strand). Cytogenetic location: 19p13.3.
Variant type: single nucleotide variant.
Coding change: c.1046C>A on transcript NM_015015.3 (MANE Select); coding-DNA position 1046, C replaced by A.
Protein change: p.Ala349Glu; replaces alanine 349 with glutamic acid.
Molecular consequence: missense variant.
Genome position (GRCh38, 1-based): chr19:5,110,749, C>A. VCF-style: chr19-5110749-C-A. GRCh37 (hg19) VCF-style: chr19-5110760-C-A.
Other names: c.1046C>A, p.Ala349Glu (NM_001370093.1, NM_001370094.1, NM_001411148.1); short protein forms A349E.
Identifiers: ClinVar variation 3369780 (VCV003369780.1).